The following is an entry in ClinVar:

ClinVar aggregate classification (germline): Uncertain significance (1 of 4 stars; one submission).

Submission:

Ambry Genetics
Classification: Uncertain significance. Last evaluated: 2022-11-04. Review status: criteria provided, single submitter. Criteria: Ambry Variant Classification Scheme 2023. Collection method: clinical testing. Allele origin: germline.
Comment: The p.G1707E variant (also known as c.5120G>A), located in coding exon 4 of the ALPK2 gene, results from a G to A substitution at nucleotide position 5120. The glycine at codon 1707 is replaced by glutamic acid, an amino acid with similar properties. This amino acid position is conserved. In addition, this alteration is predicted to be tolerated by in silico analysis. Since supporting evidence is limited at this time, the clinical significance of this alteration remains unclear.

NM_052947.4(ALPK2):c.5120G>A (p.Gly1707Glu)

Genes: ALPK2 (alpha kinase 2; minus strand), LOC130062577 (ATAC-STARR-seq lymphoblastoid active region 13389; plus strand). Cytogenetic location: 18q21.31.
Variant type: single nucleotide variant.
Coding change: c.5120G>A on transcript NM_052947.4 (MANE Select); coding-DNA position 5120, G replaced by A.
Protein change: p.Gly1707Glu; replaces glycine 1707 with glutamic acid.
Molecular consequence: missense variant.
Genome position (GRCh38, 1-based): chr18:58,535,067, C>T on the plus strand (G>A on the coding strand, the complement: ALPK2 is on the minus strand). VCF-style: chr18-58535067-C-T. GRCh37 (hg19) VCF-style: chr18-56202299-C-T.
Other names: short protein forms G1707E.
Identifiers: ClinVar variation 2449186 (VCV002449186.2), dbSNP rs1352600326, ClinGen allele CA402558070.